The following is an entry in ClinVar:

NM_001127222.2(CACNA1A):c.4693C>T (p.Pro1565Ser)

Gene: CACNA1A (calcium voltage-gated channel subunit alpha1 A; minus strand). Cytogenetic location: 19p13.13.
Variant type: single nucleotide variant.
Coding change: c.4693C>T on transcript NM_001127222.2 (MANE Select); coding-DNA position 4693, C replaced by T.
Protein change: p.Pro1565Ser; replaces proline 1565 with serine.
Molecular consequence: missense variant.
Genome position (GRCh38, 1-based): chr19:13,255,157, G>A on the plus strand (C>T on the coding strand, the complement: CACNA1A is on the minus strand). VCF-style: chr19-13255157-G-A. GRCh37 (hg19) VCF-style: chr19-13365971-G-A.
Other names: c.4705C>T, p.Pro1569Ser (NM_000068.4, NM_023035.3); c.4696C>T, p.Pro1566Ser (NM_001127221.2, NM_001174080.2); short protein forms P1566S, P1569S, P1565S.
Identifiers: ClinVar variation 585574 (VCV000585574.9), dbSNP rs1353824164, ClinGen allele CA404338455.
Genomic context (GRCh38, chr19:13,255,157, plus strand): 5'-TCATCATAAGCACGATGGTGTTGAGGGCGATCATGGCCATGATCGTGTACTCGAAAGGCG[G>A]AGACACCACGAACTGCCACATGCGGTACTGGAAGCTCTGCTTGTTCTGCGGCATGTGTCG-3'
Protein context (NP_001120694.1, residues 1555-1575): QYRMWQFVVS[Pro1565Ser]PFEYTIMAMI

ClinVar aggregate classification (germline): Uncertain significance. Review status: criteria provided, multiple submitters, no conflicts (2 of 4 stars). 2 submissions from 2 submitters: Uncertain significance (2). Last evaluated 2025-06-29.

Conditions:
Episodic ataxia type 2 (EA2). Also called: ACETAZOLAMIDE-RESPONSIVE HEREDITARY PAROXYSMAL CEREBELLAR ATAXIA; CEREBELLAR ATAXIA, PAROXYSMAL, ACETAZOLAMIDE-RESPONSIVE; CEREBELLOPATHY, HEREDITARY PAROXYSMAL; EPISODIC ATAXIA, NYSTAGMUS-ASSOCIATED; ATAXIA, EPISODIC, WITH NYSTAGMUS; ATAXIA, FAMILIAL PAROXYSMAL. Identifiers: Orphanet 97, MedGen C1720416, MONDO:0007163, OMIM 108500.
Developmental and epileptic encephalopathy, 42 (DEE42A). Also called: DEVELOPMENTAL AND EPILEPTIC ENCEPHALOPATHY 42A; EPILEPTIC ENCEPHALOPATHY, EARLY INFANTILE, 42A; Epileptic encephalopathy, early infantile, 42. Identifiers: MedGen C4310716, MONDO:0014917, OMIM 617106.

Allele frequency attached by ClinVar (database versions not stated): gnomAD 0.00001; gnomAD exomes 0.00001; TOPMed 0.00001.
gnomAD v4.1: 4 of 1,613,830 alleles (0.00025%); highest among the groups gnomAD compares: Non-Finnish European, 0.00034%; no homozygotes.

Submissions (2):

Labcorp Genetics (formerly Invitae), Labcorp
Classification: Uncertain significance for Developmental and epileptic encephalopathy, 42; Episodic ataxia type 2. Last evaluated: 2025-06-29. Review status: criteria provided, single submitter. Criteria: Invitae Variant Classification Sherloc (09022015). Collection method: clinical testing. Allele origin: germline.
Comment: This sequence change replaces proline, which is neutral and non-polar, with serine, which is neutral and polar, at codon 1566 of the CACNA1A protein (p.Pro1566Ser). This variant is present in population databases (no rsID available, gnomAD 0.0009%). This variant has not been reported in the literature in individuals affected with CACNA1A-related conditions. ClinVar contains an entry for this variant (Variation ID: 585574). Invitae Evidence Modeling of protein sequence and biophysical properties (such as structural, functional, and spatial information, amino acid conservation, physicochemical variation, residue mobility, and thermodynamic stability) has been performed for this missense variant. However, the output from this modeling did not meet the statistical confidence thresholds required to predict the impact of this variant on CACNA1A protein function. In summary, the available evidence is currently insufficient to determine the role of this variant in disease. Therefore, it has been classified as a Variant of Uncertain Significance.

Athena Diagnostics
Classification: Uncertain significance. Last evaluated: 2018-08-10. Review status: criteria provided, single submitter. Criteria: Athena Diagnostics Criteria. Collection method: clinical testing. Allele origin: germline.